The following is an entry in ClinVar:

ClinVar aggregate classification (germline): Uncertain significance (1 of 4 stars; one submission).

Conditions:
Hereditary cancer-predisposing syndrome. Also called: Hereditary Cancer Syndrome; Hereditary neoplastic syndrome; Neoplastic Syndromes, Hereditary; Tumor predisposition. Identifiers: Orphanet 140162, MedGen C0027672, MeSH D009386, MONDO:0015356.

Submission:

Ambry Genetics
Classification: Uncertain significance for Hereditary cancer-predisposing syndrome. Last evaluated: 2021-09-10. Review status: criteria provided, single submitter. Criteria: Ambry Variant Classification Scheme 2023. Collection method: clinical testing. Allele origin: germline.
Comment: The p.A196S variant (also known as c.586G>T), located in coding exon 2 of the BLM gene, results from a G to T substitution at nucleotide position 586. The alanine at codon 196 is replaced by serine, an amino acid with similar properties. This amino acid position is conserved. In addition, this alteration is predicted to be tolerated by in silico analysis. Since supporting evidence is limited at this time, the clinical significance of this alteration remains unclear.

NM_000057.4(BLM):c.586G>T (p.Ala196Ser)

Gene: BLM (BLM RecQ like helicase; plus strand). Cytogenetic location: 15q26.1.
Variant type: single nucleotide variant.
Coding change: c.586G>T on transcript NM_000057.4 (MANE Select); coding-DNA position 586, G replaced by T.
Protein change: p.Ala196Ser; replaces alanine 196 with serine.
Molecular consequence: missense variant. On other transcripts: 5 prime UTR variant (1).
Genome position (GRCh38, 1-based): chr15:90,749,854, G>T. VCF-style: chr15-90749854-G-T. GRCh37 (hg19) VCF-style: chr15-91293084-G-T.
Other names: c.586G>T, p.Ala196Ser (NM_001287246.2, NM_001287247.2); c.-706G>T (NM_001287248.2); short protein forms A196S.
Identifiers: ClinVar variation 1750187 (VCV001750187.2), dbSNP rs1567035597, ClinGen allele CA393841114.